The following is an entry in ClinVar:

ClinVar aggregate classification (germline): Conflicting classifications of pathogenicity. Review status: criteria provided, conflicting classifications (1 of 4 stars). 2 submissions from 2 submitters: Uncertain significance (1); Likely benign (1). Last evaluated 2025-08-07.

Conditions:
ABL1-related disorder. Also called: ABL1-related condition.

Allele frequency attached by ClinVar (database versions not stated): gnomAD 0.00001; gnomAD exomes 0.00001; ExAC 0.00002.
gnomAD v4.1: 13 of 1,613,068 alleles (0.00081%); highest among the groups gnomAD compares: Middle Eastern, 0.016%; no homozygotes.

Submissions (2):

PreventionGenetics, part of Exact Sciences
Classification: Uncertain significance for ABL1-related condition. Last evaluated: 2025-08-07. Review status: criteria provided, single submitter. Criteria: ACMG Guidelines, 2015. Collection method: clinical testing. Allele origin: germline.
Comment: The ABL1 c.2924A>G variant is predicted to result in the amino acid substitution p.Lys975Arg. To our knowledge, this variant has not been reported in the literature. This variant is reported in 0.0040% of alleles in individuals of European (Finnish) descent in gnomAD. At this time, the clinical significance of this variant is uncertain due to the absence of conclusive functional and genetic evidence.

Labcorp Genetics (formerly Invitae), Labcorp
Classification: Likely benign. Last evaluated: 2025-06-19. Review status: criteria provided, single submitter. Criteria: Invitae Variant Classification Sherloc (09022015). Collection method: clinical testing. Allele origin: germline.

NM_005157.6(ABL1):c.2867A>G (p.Lys956Arg)

Gene: ABL1 (ABL proto-oncogene 1, non-receptor tyrosine kinase; plus strand). Cytogenetic location: 9q34.12.
Variant type: single nucleotide variant.
Coding change: c.2867A>G on transcript NM_005157.6 (MANE Select); coding-DNA position 2867, A replaced by G.
Protein change: p.Lys956Arg; replaces lysine 956 with arginine.
Molecular consequence: missense variant.
Genome position (GRCh38, 1-based): chr9:130,885,157, A>G. VCF-style: chr9-130885157-A-G. GRCh37 (hg19) VCF-style: chr9-133760544-A-G.
Other names: c.2924A>G, p.Lys975Arg (NM_007313.3); c.2924A>G (NM_007313.2); short protein forms K975R, K956R.
Identifiers: ClinVar variation 1371702 (VCV001371702.7), dbSNP rs767555071, ClinGen allele CA5285795.
Genomic context (GRCh38, chr9:130,885,157, plus strand): 5'-GTCTGGTTGATGCTGTGAACAGTGACGCTGCCAAGCCCAGCCAGCCGGGAGAGGGCCTCA[A>G]AAAGCCCGTGCTCCCGGCCACTCCAAAGCCACAGTCCGCCAAGCCGTCGGGGACCCCCAT-3'
Protein context (NP_005148.2, residues 946-966): AKPSQPGEGL[Lys956Arg]KPVLPATPKP